The following is an entry in ClinVar:

NM_033026.6(PCLO):c.6925G>A (p.Gly2309Arg)

Gene: PCLO (piccolo presynaptic cytomatrix protein; minus strand). Cytogenetic location: 7q21.11.
Variant type: single nucleotide variant.
Coding change: c.6925G>A on transcript NM_033026.6 (MANE Select); coding-DNA position 6925, G replaced by A.
Protein change: p.Gly2309Arg; replaces glycine 2309 with arginine.
Molecular consequence: missense variant.
Genome position (GRCh38, 1-based): chr7:82,954,028, C>T on the plus strand (G>A on the coding strand, the complement: PCLO is on the minus strand). VCF-style: chr7-82954028-C-T. GRCh37 (hg19) VCF-style: chr7-82583344-C-T.
Other names: c.6925G>A, p.Gly2309Arg (NM_014510.3); short protein forms G2309R.
Identifiers: ClinVar variation 2111959 (VCV002111959.4), dbSNP rs2535699413, ClinGen allele CA367918064.
Genomic context (GRCh38, chr7:82,954,028, plus strand): 5'-CGGCCTCCAACTCCTTTTTATCTCTGTAAGCTTCCAAAACTTCCAGAATGATTCCATTCC[C>T]AGTTTCCTTCTTGGCTTTCTTCACTGGGTCCTTTTCAGATATAAGTAAGTCAGTAGAAAC-3'
Protein context (NP_149015.2, residues 2299-2319): DPVKKAKKET[Gly2309Arg]NGIILEVLEA

ClinVar aggregate classification (germline): Uncertain significance (1 of 4 stars; one submission).

Submission:

Labcorp Genetics (formerly Invitae), Labcorp
Classification: Uncertain significance. Last evaluated: 2024-10-17. Review status: criteria provided, single submitter. Criteria: Invitae Variant Classification Sherloc (09022015). Collection method: clinical testing. Allele origin: germline.
Comment: This sequence change replaces glycine, which is neutral and non-polar, with arginine, which is basic and polar, at codon 2309 of the PCLO protein (p.Gly2309Arg). This variant is not present in population databases (gnomAD no frequency). This variant has not been reported in the literature in individuals affected with PCLO-related conditions. ClinVar contains an entry for this variant (Variation ID: 2111959). An algorithm developed to predict the effect of missense changes on protein structure and function outputs the following: PolyPhen-2: "Not Available". The arginine amino acid residue is found in multiple mammalian species, which suggests that this missense change does not adversely affect protein function. In summary, the available evidence is currently insufficient to determine the role of this variant in disease. Therefore, it has been classified as a Variant of Uncertain Significance.